The following is an entry in ClinVar:

ClinVar aggregate classification (germline): Pathogenic (1 of 4 stars; one submission).

Submission:

GeneDx
Classification: Pathogenic. Last evaluated: 2016-10-26. Review status: criteria provided, single submitter. Criteria: GeneDx Variant Classification (06012015). Collection method: clinical testing. Allele origin: germline. Affected: yes.
Comment: The c.637_639delTCC variant in the SLC35A2 gene has not been reported previously as a pathogenic variant nor as a benign variant, to our knowledge. The c.637_639delTCC variant causes an in frame deletion of one amino acid, Serine 213, denoted p.Ser213del. This deletion occurs at a residue (Ser213) that is conserved across species. The c.637_639delTCC variant was not observed in approximately 6500 individuals of European and African American ancestry in the NHLBI Exome Sequencing Project, indicating it is not a common benign variant in these populations. We interpret c.637_639delTCC as a pathogenic variant.

NM_005660.3(SLC35A2):c.634TCC[1] (p.Ser213del)

Gene: SLC35A2 (solute carrier family 35 member A2; minus strand). Cytogenetic location: Xp11.23.
Variant type: Microsatellite.
Coding change: c.634TCC[1] on transcript NM_005660.3 (MANE Select); one copy of the 3-base unit TCC starting at c.634; the reference has two copies in a row; one copy, 3 bases deleted.
Protein change: p.Ser213del; deletes serine 213.
Molecular consequence: inframe deletion. On other transcripts: intron variant (3).
Genome position (GRCh38, 1-based): chrX:48,905,270-48,905,272, GGA deleted on the plus strand (TCC on the coding strand, the reverse complement: SLC35A2 is on the minus strand); deleting any 3 consecutive bases within chrX:48,905,270-48,905,276 gives the same sequence; the position shown is the placement nearest the transcript's 3' end. VCF-style (leftmost placement, unchanged base first): chrX-48905269-CGGA-C. GRCh37 (hg19) VCF-style: chrX-48762546-CGGA-C.
Other names: c.634TCC[1], p.Ser213del (NM_001042498.3); c.451TCC[1], p.Ser152del (NM_001282649.2); c.673TCC[1], p.Ser226del (NM_001282650.2); c.718TCC[1], p.Ser241del (NM_001282651.2); c.427-380_427-378del (NM_001282647.2, NM_001032289.3); c.355-380_355-378del (NM_001282648.2); short protein forms S213del, S152del, S226del, S241del.
Identifiers: ClinVar variation 373073 (VCV000373073.2), dbSNP rs1057518194, ClinGen allele CA16043321.